The following is an entry in ClinVar:

ClinVar aggregate classification (germline): Benign. Review status: criteria provided, multiple submitters, no conflicts (2 of 4 stars). 21 submissions from 12 submitters: Benign (17). 4 of the submissions do not count toward it. Last evaluated 2026-02-04.

Conditions:
PRPH2-related disorder. Also called: PRPH2-related disorders; PRPH2-related condition. Identifiers: MedGen CN239395.
Pigmentary retinal dystrophy. Also called: Fundus albipunctatus. Identifiers: Orphanet 227796, Orphanet 52427, MedGen C0311338, MONDO:0007639, OMIM 136880, HP:0030642.
Retinitis pigmentosa (RP). Identifiers: Orphanet 791, MedGen C0035334, MeSH D012174, MONDO:0019200, OMIM 268000. Inheritance: Autosomal dominant, autosomal recessive and X linked inheritance.
Patterned macular dystrophy 1. Also called: MACULAR DYSTROPHY, BUTTERFLY-SHAPED PIGMENTARY; BUTTERFLY DYSTROPHY OF RETINAL PIGMENT EPITHELIUM. Identifiers: Orphanet 99001, MedGen C4551999, MONDO:0008210, OMIM 169150.
Cone-rod dystrophy. Also called: Cone/cone-rod dystrophy; Cone-rod degeneration. Identifiers: Orphanet 1872, MedGen C4085590, MONDO:0015993, HP:0000548.
Retinitis pigmentosa 7 (RP7). Identifiers: Orphanet 791, MedGen C1842475, MONDO:0011974, OMIM 608133.
Choroidal dystrophy, central areolar 2 (CACD2). Also called: Choriodal Dystrophy, Central Areolar 2; MACULAR DYSTROPHY, PROGRESSIVE. Identifiers: Orphanet 75377, MedGen C2751290, MONDO:0013137, OMIM 613105.
Vitelliform macular dystrophy 3 (VMD3). Also called: PRPH2 vitelliform macular dystrophy; vitelliform macular dystrophy caused by mutation in PRPH2. Identifiers: MedGen CN295869, MONDO:0024561, OMIM 608161.
Retinal dystrophy. Also called: Inherited retinal dystrophy. Identifiers: Orphanet 71862, MedGen C0854723, MeSH D058499, MONDO:0019118, HP:0000556.
Adult-onset foveomacular vitelliform dystrophy. Also called: Adult onset vitelliform dystrophy; FOVEOMACULAR DYSTROPHY, ADULT-ONSET; FOVEOMACULAR DYSTROPHY, ADULT-ONSET, WITH OR WITHOUT CHOROIDAL NEOVASCULARIZATION. Identifiers: Orphanet 99000, MedGen C1842914, MONDO:0011979.

Allele frequency attached by ClinVar (database versions not stated): gnomAD exomes 0.57420 and 0.57756; ExAC 0.57747; 1000 Genomes Project 0.58446; 1000 Genomes Project 30x 0.58666; gnomAD 0.59432 and 0.59853; TOPMed 0.60659; ESP Exome Variant Server 0.60680.

Submissions (21):

Labcorp Genetics (formerly Invitae), Labcorp
Classification: Benign for PRPH2-related disorder. Last evaluated: 2026-02-04. Review status: criteria provided, single submitter. Criteria: Invitae Variant Classification Sherloc (09022015). Collection method: clinical testing. Allele origin: germline.

Blueprint Genetics
Classification: Benign. Last evaluated: 2024-11-27. Review status: criteria provided, single submitter. Criteria: ACMG Guidelines, 2015. Collection method: clinical testing. Allele origin: germline.

Dept Of Ophthalmology, Nagoya University
Classification: Benign for Retinal dystrophy. Last evaluated: 2023-10-01. Review status: criteria provided, single submitter. Criteria: Submitter's publication. Collection method: research. Allele origin: germline. Affected: yes.

Genome-Nilou Lab
Classification: Benign for Choroidal dystrophy, central areolar 2. Last evaluated: 2021-10-25. Review status: criteria provided, single submitter. Criteria: ACMG Guidelines, 2015. Collection method: clinical testing. Allele origin: germline. Affected: no.

Genome-Nilou Lab
Classification: Benign for Retinitis pigmentosa 7. Last evaluated: 2021-10-25. Review status: criteria provided, single submitter. Criteria: ACMG Guidelines, 2015. Collection method: clinical testing. Allele origin: germline. Affected: no.

Genome-Nilou Lab
Classification: Benign for Patterned macular dystrophy 1. Last evaluated: 2021-10-25. Review status: criteria provided, single submitter. Criteria: ACMG Guidelines, 2015. Collection method: clinical testing. Allele origin: germline. Affected: no.

Genome-Nilou Lab
Classification: Benign for Vitelliform macular dystrophy 3. Last evaluated: 2021-10-25. Review status: criteria provided, single submitter. Criteria: ACMG Guidelines, 2015. Collection method: clinical testing. Allele origin: germline. Affected: no.

Genome-Nilou Lab
Classification: Benign for Pigmentary retinal dystrophy. Last evaluated: 2021-10-25. Review status: criteria provided, single submitter. Criteria: ACMG Guidelines, 2015. Collection method: clinical testing. Allele origin: germline. Affected: no.

Illumina Laboratory Services, Illumina
Classification: Benign for Patterned macular dystrophy 1. Last evaluated: 2018-01-12. Review status: criteria provided, single submitter. Criteria: ICSL Variant Classification Criteria 13 December 2019. Collection method: clinical testing. Allele origin: germline.
Comment: This variant was observed in the ICSL laboratory as part of a predisposition screen in an ostensibly healthy population. It had not been previously curated by ICSL or reported in the Human Gene Mutation Database (HGMD: prior to June 1st, 2018), and was therefore a candidate for classification through an automated scoring system. Utilizing variant allele frequency, disease prevalence and penetrance estimates, and inheritance mode, an automated score was calculated to assess if this variant is too frequent to cause the disease. Based on the score and internal cut-off values, a variant classified as benign is not then subjected to further curation. The score for this variant resulted in a classification of benign for this disease.

Illumina Laboratory Services, Illumina
Classification: Benign for Retinitis pigmentosa. Last evaluated: 2018-01-12. Review status: criteria provided, single submitter. Criteria: ICSL Variant Classification Criteria 13 December 2019. Collection method: clinical testing. Allele origin: germline.
Comment: the same text as in the submission from Illumina Laboratory Services, Illumina above.

Illumina Laboratory Services, Illumina
Classification: Benign for Choroidal dystrophy, central areolar 2. Last evaluated: 2018-01-12. Review status: criteria provided, single submitter. Criteria: ICSL Variant Classification Criteria 13 December 2019. Collection method: clinical testing. Allele origin: germline.
Comment: the same text as in the submission from Illumina Laboratory Services, Illumina above.

Illumina Laboratory Services, Illumina
Classification: Benign for Cone-rod dystrophy. Last evaluated: 2018-01-12. Review status: criteria provided, single submitter. Criteria: ICSL Variant Classification Criteria 13 December 2019. Collection method: clinical testing. Allele origin: germline.
Comment: the same text as in the submission from Illumina Laboratory Services, Illumina above.

Illumina Laboratory Services, Illumina
Classification: Benign for Vitelliform macular dystrophy 3. Last evaluated: 2018-01-12. Review status: criteria provided, single submitter. Criteria: ICSL Variant Classification Criteria 13 December 2019. Collection method: clinical testing. Allele origin: germline.
Comment: the same text as in the submission from Illumina Laboratory Services, Illumina above.

Illumina Laboratory Services, Illumina
Classification: Benign for Pigmentary retinal dystrophy. Last evaluated: 2018-01-12. Review status: criteria provided, single submitter. Criteria: ICSL Variant Classification Criteria 13 December 2019. Collection method: clinical testing. Allele origin: germline.
Comment: the same text as in the submission from Illumina Laboratory Services, Illumina above.

Eurofins Ntd Llc (ga)
Classification: Benign. Last evaluated: 2013-08-20. Review status: criteria provided, single submitter. Criteria: EGL Classification Definitions 2015. Collection method: clinical testing. Allele origin: germline. Observed: 10 variant alleles, 3 heterozygotes, 7 homozygotes.

GeneDx
Classification: Benign. Last evaluated: 2011-06-28. Review status: criteria provided, single submitter. Criteria: GeneDx Variant Classification (06012015). Collection method: clinical testing. Allele origin: germline. Affected: yes.
Comment: This variant is considered likely benign or benign based on one or more of the following criteria: it is a conservative change, it occurs at a poorly conserved position in the protein, it is predicted to be benign by multiple in silico algorithms, and/or has population frequency not consistent with disease.

PreventionGenetics, part of Exact Sciences
Classification: Benign. Review status: criteria provided, single submitter. Criteria: ACMG Guidelines, 2015. Collection method: clinical testing. Allele origin: germline.

Leiden Open Variation Database
Classification: Likely benign. Last evaluated: 2021-03-21. Review status: no assertion criteria provided. Collection method: curation. Allele origin: germline. Affected: yes. Not counted in ClinVar's aggregate classification.
Comment: Curator: Global Variome, with Curator vacancy. Submitter to LOVD: Julia Lopez.

Clinical Genetics DNA and cytogenetics Diagnostics Lab, Erasmus MC, Erasmus Medical Center
Classification: Benign. Review status: no assertion criteria provided. Collection method: clinical testing. Allele origin: germline. Affected: yes. Study: VKGL Data-share Consensus. Not counted in ClinVar's aggregate classification.

Diagnostic Laboratory, Department of Genetics, University Medical Center Groningen
Classification: Benign. Review status: no assertion criteria provided. Collection method: clinical testing. Allele origin: germline. Affected: yes. Study: VKGL Data-share Consensus. Not counted in ClinVar's aggregate classification.

Joint Genome Diagnostic Labs from Nijmegen and Maastricht, Radboudumc and MUMC+
Classification: Benign. Review status: no assertion criteria provided. Collection method: clinical testing. Allele origin: germline. Affected: yes. Study: VKGL Data-share Consensus. Not counted in ClinVar's aggregate classification.

Literature cited by the submitters: PubMed 16885924 (cited by Leiden Open Variation Database).

NM_000322.5(PRPH2):c.318T>C (p.Val106=)

Gene: PRPH2 (peripherin 2; minus strand). Cytogenetic location: 6p21.1.
Variant type: single nucleotide variant.
Coding change: c.318T>C on transcript NM_000322.5 (MANE Select); coding-DNA position 318, T replaced by C.
Protein change: p.Val106=; no amino-acid change (valine 106 retained).
Molecular consequence: synonymous variant.
Genome position (GRCh38, 1-based): chr6:42,722,017, A>G on the plus strand (T>C on the coding strand, the complement: PRPH2 is on the minus strand). VCF-style: chr6-42722017-A-G. GRCh37 (hg19) VCF-style: chr6-42689755-A-G.
Other names: p.V106V:GTT>GTC.
Identifiers: ClinVar variation 92846 (VCV000092846.28), dbSNP rs7764439, ClinGen allele CA146029.
Genomic context (GRCh38, chr6:42,722,017, plus strand): 5'-CAGCGAGCCCCGAAGCAGAAAGCAGCAGAGAGCCACAAGGAAGAGGATGATGTTGAAGAG[A>G]ACACAGATAGCCAGGTACGGCTTCAGCCAGGGCTTCCATCTGGCATACTTGGCTGGGTCC-3'
Protein context (NP_000313.2, residues 96-116): PWLKPYLAIC[Val106=]LFNIILFLVA